The following is an entry in ClinVar:

NM_006035.4(CDC42BPB):c.332A>C (p.Glu111Ala)

Gene: CDC42BPB (CDC42 binding protein kinase beta; minus strand). Cytogenetic location: 14q32.32.
Variant type: single nucleotide variant.
Coding change: c.332A>C on transcript NM_006035.4 (MANE Select); coding-DNA position 332, A replaced by C.
Protein change: p.Glu111Ala; replaces glutamic acid 111 with alanine.
Molecular consequence: missense variant.
Genome position (GRCh38, 1-based): chr14:103,008,491, T>G on the plus strand (A>C on the coding strand, the complement: CDC42BPB is on the minus strand). VCF-style: chr14-103008491-T-G. GRCh37 (hg19) VCF-style: chr14-103474828-T-G.
Other names: short protein forms E111A.
Identifiers: ClinVar variation 1314181 (VCV001314181.2), dbSNP rs1171933717, ClinGen allele CA391074062.

ClinVar aggregate classification (germline): Uncertain significance (1 of 4 stars; one submission).

Submission:

GeneDx
Classification: Uncertain significance. Last evaluated: 2021-03-12. Review status: criteria provided, single submitter. Criteria: GeneDx Variant Classification Process June 2021. Collection method: clinical testing. Allele origin: germline. Affected: yes.
Comment: Not observed in large population cohorts (Lek et al., 2016); In silico analysis supports that this missense variant has a deleterious effect on protein structure/function; Has not been previously published as pathogenic or benign to our knowledge